The following is an entry in ClinVar:

ClinVar aggregate classification (germline): Conflicting classifications of pathogenicity. Review status: criteria provided, conflicting classifications (1 of 4 stars). 2 submissions from 2 submitters: Uncertain significance (1); Benign (1). Last evaluated 2024-12-24.

Conditions:
Primary pulmonary hypertension. Also called: Idiopathic pulmonary hypertension. Identifiers: MedGen C0152171.
Inborn genetic diseases. Identifiers: MedGen C0950123, MeSH D030342.

Allele frequency attached by ClinVar (database versions not stated): ExAC 0.00001; gnomAD 0.00001; TOPMed 0.00001; gnomAD exomes 0.00002.

Submissions (2):

Labcorp Genetics (formerly Invitae), Labcorp
Classification: Benign for Primary pulmonary hypertension. Last evaluated: 2024-12-24. Review status: criteria provided, single submitter. Criteria: Invitae Variant Classification Sherloc (09022015). Collection method: clinical testing. Allele origin: germline.

Ambry Genetics
Classification: Uncertain significance for Inborn genetic diseases. Last evaluated: 2024-11-30. Review status: criteria provided, single submitter. Criteria: Ambry Variant Classification Scheme 2023. Collection method: clinical testing. Allele origin: germline.
Comment: The p.T575I variant (also known as c.1724C>T), located in coding exon 12 of the BMPR2 gene, results from a C to T substitution at nucleotide position 1724. The threonine at codon 575 is replaced by isoleucine, an amino acid with similar properties. This amino acid position is conserved. In addition, the in silico prediction for this alteration is inconclusive. Based on the available evidence, the clinical significance of this variant remains unclear.

NM_001204.7(BMPR2):c.1724C>T (p.Thr575Ile)

Gene: BMPR2 (bone morphogenetic protein receptor type 2; plus strand). Cytogenetic location: 2q33.2.
Variant type: single nucleotide variant.
Coding change: c.1724C>T on transcript NM_001204.7 (MANE Select); coding-DNA position 1724, C replaced by T.
Protein change: p.Thr575Ile; replaces threonine 575 with isoleucine.
Molecular consequence: missense variant.
Genome position (GRCh38, 1-based): chr2:202,555,389, C>T. VCF-style: chr2-202555389-C-T. GRCh37 (hg19) VCF-style: chr2-203420112-C-T.
Other names: short protein forms T575I.
Identifiers: ClinVar variation 2866368 (VCV002866368.4), dbSNP rs760077598, ClinGen allele CA2061435.